The following is an entry in ClinVar:

NM_014946.4(SPAST):c.124C>A (p.Pro42Thr)

Gene: SPAST (spastin; plus strand). Cytogenetic location: 2p22.3.
Variant type: single nucleotide variant.
Coding change: c.124C>A on transcript NM_014946.4 (MANE Select); coding-DNA position 124, C replaced by A.
Protein change: p.Pro42Thr; replaces proline 42 with threonine.
Molecular consequence: missense variant.
Genome position (GRCh38, 1-based): chr2:32,063,955, C>A. VCF-style: chr2-32063955-C-A. GRCh37 (hg19) VCF-style: chr2-32289024-C-A.
Other names: c.124C>A, p.Pro42Thr (NM_001363823.2, NM_001363875.2, NM_001377959.1 and 1 more transcripts); short protein forms P42T.
Identifiers: ClinVar variation 2576942 (VCV002576942.2), dbSNP rs367843598, ClinGen allele CA1600494.

ClinVar aggregate classification (germline): Uncertain significance (1 of 4 stars; one submission).

Allele frequency attached by ClinVar (database versions not stated): ESP Exome Variant Server 0.00008; ExAC 0.00002.
gnomAD v4.1: 14 of 1,611,428 alleles (0.00087%); highest among the groups gnomAD compares: Non-Finnish European, 0.0012%; no homozygotes.

Submission:

GeneDx
Classification: Uncertain significance. Last evaluated: 2026-04-06. Review status: criteria provided, single submitter. Criteria: GeneDx Variant Classification Process June 2021. Collection method: clinical testing. Allele origin: germline.
Comment: Has not been previously published as pathogenic or benign to our knowledge; In silico analysis suggests that this missense variant does not alter protein structure/function; Not observed at significant frequency in large population cohorts (gnomAD)